The following is an entry in ClinVar:

ClinVar aggregate classification (germline): Pathogenic (1 of 4 stars; one submission).

Conditions:
Familial hemophagocytic lymphohistiocytosis 3 (FHL3). Also called: UNC13D-Related Familial Hemophagocytic Lymphohistiocytosis (UNC13D-fHLH). Identifiers: Orphanet 540, MedGen C1837174, MONDO:0012146, OMIM 608898.

Submission:

Labcorp Genetics (formerly Invitae), Labcorp
Classification: Pathogenic for Familial hemophagocytic lymphohistiocytosis 3. Last evaluated: 2023-04-01. Review status: criteria provided, single submitter. Criteria: Invitae Variant Classification Sherloc (09022015). Collection method: clinical testing. Allele origin: germline.
Comment: This variant is not present in population databases (gnomAD no frequency). This variant has not been reported in the literature in individuals affected with UNC13D-related conditions. For these reasons, this variant has been classified as Pathogenic. This sequence change creates a premature translational stop signal (p.Glu909*) in the UNC13D gene. It is expected to result in an absent or disrupted protein product. Loss-of-function variants in UNC13D are known to be pathogenic (PMID: 14622600).

Literature cited by the submitters: PubMed 14622600.

NM_199242.3(UNC13D):c.2724dup (p.Glu909Ter)

Genes: UNC13D (unc-13 homolog D; minus strand), LOC112533672 (Sharpr-MPRA regulatory region 1193; plus strand). Cytogenetic location: 17q25.1.
Variant type: Duplication.
Coding change: c.2724dup on transcript NM_199242.3 (MANE Select); coding-DNA position 2724, one base duplicated (T; older notation c.2724dupT).
Protein change: p.Glu909Ter; replaces glutamic acid 909 with a stop codon.
Molecular consequence: nonsense.
Genome position (GRCh38, 1-based): chr17:75,830,468, A duplicated on the plus strand (T on the coding strand, the reverse complement: UNC13D is on the minus strand). VCF-style (leftmost placement, unchanged base first): chr17-75830467-C-CA. GRCh37 (hg19) VCF-style: chr17-73826548-C-CA.
Other names: short protein forms E909*.
Identifiers: ClinVar variation 2851361 (VCV002851361.3), dbSNP rs2545976906, ClinGen allele CA2739268412.